The following is an entry in ClinVar:

ClinVar aggregate classification (germline): Uncertain significance. Review status: criteria provided, multiple submitters, no conflicts (2 of 4 stars). 2 submissions from 2 submitters: Uncertain significance (2). Last evaluated 2024-08-14.

Conditions:
Hereditary spastic paraplegia 11. Also called: Spastic paraplegia, mental retardation and thin corpus callosum; SPASTIC PARAPLEGIA, AUTOSOMAL RECESSIVE, COMPLICATED, WITH THIN CORPUS CALLOSUM; SPASTIC PARAPLEGIA, AUTOSOMAL RECESSIVE, WITH MENTAL IMPAIRMENT AND THIN CORPUS CALLOSUM; Spastic Paraplegia 11; Nakamura Osame syndrome; Autosomal recessive hereditary spastic paraplegia, mental impairment, and thin corpus callosum. Identifiers: Orphanet 2822, MedGen C1858479, MONDO:0011445, OMIM 604360.

Allele frequency attached by ClinVar (database versions not stated): TOPMed below 0.00001; ExAC 0.00001; gnomAD 0.00001; 1000 Genomes Project 0.00020; 1000 Genomes Project 30x 0.00031.
gnomAD v4.1: 5 of 1,614,138 alleles (0.00031%); highest among the groups gnomAD compares: African/African-American, 0.0013%; no homozygotes.

Submissions (2):

Labcorp Genetics (formerly Invitae), Labcorp
Classification: Uncertain significance for Hereditary spastic paraplegia 11. Last evaluated: 2024-08-14. Review status: criteria provided, single submitter. Criteria: Invitae Variant Classification Sherloc (09022015). Collection method: clinical testing. Allele origin: germline.
Comment: This sequence change replaces aspartic acid, which is acidic and polar, with glycine, which is neutral and non-polar, at codon 2102 of the SPG11 protein (p.Asp2102Gly). This variant is present in population databases (rs531345715, gnomAD 0.007%). This variant has not been reported in the literature in individuals affected with SPG11-related conditions. ClinVar contains an entry for this variant (Variation ID: 2580796). Invitae Evidence Modeling of protein sequence and biophysical properties (such as structural, functional, and spatial information, amino acid conservation, physicochemical variation, residue mobility, and thermodynamic stability) has been performed for this missense variant. However, the output from this modeling did not meet the statistical confidence thresholds required to predict the impact of this variant on SPG11 protein function. Algorithms developed to predict the effect of sequence changes on RNA splicing suggest that this variant may disrupt the consensus splice site. In summary, the available evidence is currently insufficient to determine the role of this variant in disease. Therefore, it has been classified as a Variant of Uncertain Significance.

GeneDx
Classification: Uncertain significance. Last evaluated: 2023-09-22. Review status: criteria provided, single submitter. Criteria: GeneDx Variant Classification Process June 2021. Collection method: clinical testing. Allele origin: germline. Affected: yes.
Comment: Has not been previously published as pathogenic or benign to our knowledge; Not observed at significant frequency in large population cohorts (gnomAD); In silico analysis supports a deleterious effect on splicing; In addition, in silico predictors suggest the missense change may have a deleterious effect on protein structure/function

NM_025137.4(SPG11):c.6305A>G (p.Asp2102Gly)

Gene: SPG11 (SPG11 vesicle trafficking associated, spatacsin; minus strand). Cytogenetic location: 15q21.1.
Variant type: single nucleotide variant.
Coding change: c.6305A>G on transcript NM_025137.4 (MANE Select); coding-DNA position 6305, A replaced by G.
Protein change: p.Asp2102Gly; replaces aspartic acid 2102 with glycine.
Molecular consequence: missense variant.
Genome position (GRCh38, 1-based): chr15:44,572,721, T>C on the plus strand (A>G on the coding strand, the complement: SPG11 is on the minus strand). VCF-style: chr15-44572721-T-C. GRCh37 (hg19) VCF-style: chr15-44864919-T-C.
Other names: c.5966A>G, p.Asp1989Gly (NM_001160227.2); c.6161A>G, p.Asp2054Gly (NM_001411132.1); short protein forms D1989G, D2054G, D2102G.
Identifiers: ClinVar variation 2580796 (VCV002580796.3), dbSNP rs531345715, ClinGen allele CA7534185.